The following is an entry in ClinVar:

NC_000001.10:g.(?_10027411)_(10045246_?)del

Gene: NMNAT1 (nicotinamide nucleotide adenylyltransferase 1; plus strand). Cytogenetic location: 1p36.22.
Variant type: Deletion.
Identifiers: ClinVar variation 2426776 (VCV002426776.3).

ClinVar aggregate classification (germline): Pathogenic (1 of 4 stars; one submission).

Conditions:
Leber congenital amaurosis 9 (LCA9). Also called: LCA9 Leber Congenital Amaurosis; LCA 9; Amaurosis congenita of Leber, type 9. Identifiers: Orphanet 65, MedGen C1837873, MONDO:0012056, OMIM 608553.

Submission:

Labcorp Genetics (formerly Invitae), Labcorp
Classification: Pathogenic for Leber congenital amaurosis 9. Last evaluated: 2022-06-13. Review status: criteria provided, single submitter. Criteria: Invitae Variant Classification Sherloc (09022015). Collection method: clinical testing. Allele origin: germline.
Comment: A gross deletion of the genomic region encompassing the full coding sequence of the NMNAT1 gene has been identified. Loss-of-function variants in NMNAT1 are known to be pathogenic (PMID: 22842229). The boundaries of this event are unknown as they extend beyond the assayed region for this gene and therefore may encompass additional genes. This variant has not been reported in the literature in individuals affected with NMNAT1-related conditions. For these reasons, this variant has been classified as Pathogenic.

Literature cited by the submitters: PubMed 22842229.